The following is an entry in ClinVar:

ClinVar aggregate classification (germline): Uncertain significance (1 of 4 stars; one submission).

Conditions:
Amelocerebrohypohidrotic syndrome (KTZS). Also called: EPILEPSY AND YELLOW TEETH; EPILEPSY, DEMENTIA, AND AMELOGENESIS IMPERFECTA; Kohlschutter's syndrome; KOHLSCHUTTER SYNDROME. Identifiers: Orphanet 1946, MedGen C0406740, MONDO:0009185, OMIM 226750.

Allele frequency attached by ClinVar (database versions not stated): gnomAD exomes below 0.00001; ExAC 0.00001; gnomAD 0.00001.
gnomAD v4.1: 2 of 1,613,700 alleles (0.00012%); highest among the groups gnomAD compares: Non-Finnish European, 0.00017%; no homozygotes.

Submission:

Labcorp Genetics (formerly Invitae), Labcorp
Classification: Uncertain significance for Kohlschutter syndrome. Last evaluated: 2018-08-01. Review status: criteria provided, single submitter. Criteria: Invitae Variant Classification Sherloc (09022015). Collection method: clinical testing. Allele origin: germline.
Comment: This sequence change replaces alanine with valine at codon 208 of the ROGDI protein (p.Ala208Val). The alanine residue is weakly conserved and there is a small physicochemical difference between alanine and valine. This variant is present in population databases (rs745998638, ExAC 0.002%). This variant has not been reported in the literature in individuals with ROGDI-related disease. Algorithms developed to predict the effect of missense changes on protein structure and function output the following: SIFT: "Tolerated"; PolyPhen-2: "Benign"; Align-GVGD: "Class C0". The valine amino acid residue is found in multiple mammalian species, suggesting that this missense change does not adversely affect protein function. These predictions have not been confirmed by published functional studies and their clinical significance is uncertain. In summary, the available evidence is currently insufficient to determine the role of this variant in disease. Therefore, it has been classified as a Variant of Uncertain Significance.

NM_024589.3(ROGDI):c.623C>T (p.Ala208Val)

Gene: ROGDI (rogdi atypical leucine zipper; minus strand). Cytogenetic location: 16p13.3.
Variant type: single nucleotide variant.
Coding change: c.623C>T on transcript NM_024589.3 (MANE Select); coding-DNA position 623, C replaced by T.
Protein change: p.Ala208Val; replaces alanine 208 with valine.
Molecular consequence: missense variant. On other transcripts: non-coding transcript variant (1).
Genome position (GRCh38, 1-based): chr16:4,798,093, G>A on the plus strand (C>T on the coding strand, the complement: ROGDI is on the minus strand). VCF-style: chr16-4798093-G-A. GRCh37 (hg19) VCF-style: chr16-4848094-G-A.
Other names: short protein forms A208V.
Identifiers: ClinVar variation 656946 (VCV000656946.1), dbSNP rs745998638, ClinGen allele CA7882613.